The following is an entry in ClinVar:

NM_003001.5(SDHC):c.241+5dup

Gene: SDHC (succinate dehydrogenase complex subunit C; plus strand). Cytogenetic location: 1q23.3.
Variant type: Duplication.
Coding change: c.241+5dup on transcript NM_003001.5 (MANE Select); 5 bases into the intron after coding-DNA position 241, one base duplicated (G; older notation c.241+5dupG).
Molecular consequence: intron variant.
Genome position (GRCh38, 1-based): chr1:161,340,660, G duplicated. VCF-style (leftmost placement, unchanged base first): chr1-161340659-T-TG. GRCh37 (hg19) VCF-style: chr1-161310449-T-TG.
Other names: c.130+5dup (NM_001407119.1, NM_001407120.1); c.361+5dup (NM_001407115.1); c.241+5dup (NM_001035511.3); c.139+5dup (NM_001035512.3, NM_001278172.3); c.133+11dup (NM_001407118.1); c.184+5dup (NM_001407116.1, NM_001407121.1); c.178+11dup (NM_001407117.1); c.82+5dup (NM_001035513.3).
Identifiers: ClinVar variation 1503524 (VCV001503524.7), dbSNP rs2102336440, ClinGen allele CA2573131186.

ClinVar aggregate classification (germline): Uncertain significance (1 of 4 stars; one submission).

Conditions:
Pheochromocytoma/paraganglioma syndrome 3. Also called: GLOMUS TUMORS, FAMILIAL, 3; Paragangliomas 3; SDHC-Related Hereditary Paraganglioma-Pheochromocytoma Syndrome (Paragangliomas 3); SDHC-Related Hereditary Paraganglioma-Pheochromocytoma Syndrome. Identifiers: Orphanet 29072, MedGen C1854336, MONDO:0011544, OMIM 605373.
Gastrointestinal stromal tumor. Also called: Gastrointestinal stromal tumor, somatic; Gastrointestinal stroma tumor. Identifiers: Orphanet 44890, MedGen C0238198, MeSH D046152, MONDO:0011719, OMIM 606764, HP:0100723.

Submission:

Labcorp Genetics (formerly Invitae), Labcorp
Classification: Uncertain significance for Pheochromocytoma/paraganglioma syndrome 3; Gastrointestinal stromal tumor. Last evaluated: 2024-04-22. Review status: criteria provided, single submitter. Criteria: Invitae Variant Classification Sherloc (09022015). Collection method: clinical testing. Allele origin: germline.
Comment: This sequence change falls in intron 4 of the SDHC gene. It does not directly change the encoded amino acid sequence of the SDHC protein. It affects a nucleotide within the consensus splice site. This variant is not present in population databases (gnomAD no frequency). This variant has not been reported in the literature in individuals affected with SDHC-related conditions. ClinVar contains an entry for this variant (Variation ID: 1503524). Variants that disrupt the consensus splice site are a relatively common cause of aberrant splicing (PMID: 17576681, 9536098). Algorithms developed to predict the effect of sequence changes on RNA splicing suggest that this variant is not likely to affect RNA splicing. In summary, the available evidence is currently insufficient to determine the role of this variant in disease. Therefore, it has been classified as a Variant of Uncertain Significance.

Literature cited by the submitters: PubMed 17576681; PubMed 9536098.